The following is an entry in ClinVar:

ClinVar aggregate classification (germline): Uncertain significance. Review status: criteria provided, multiple submitters, no conflicts (2 of 4 stars). 2 submissions from 2 submitters: Uncertain significance (2). Last evaluated 2024-01-24.

Conditions:
Short-rib thoracic dysplasia 13 with or without polydactyly (SRTD13). Identifiers: Orphanet 474, MedGen C4225378, MONDO:0014577, OMIM 616300.

Allele frequency attached by ClinVar (database versions not stated): ExAC 0.00001; gnomAD 0.00002; gnomAD exomes 0.00002; TOPMed 0.00002.
gnomAD v4.1: 28 of 1,607,744 alleles (0.0017%); highest among the groups gnomAD compares: East Asian, 0.0045%; no homozygotes.

Submissions (2):

GeneDx
Classification: Uncertain significance. Last evaluated: 2024-01-24. Review status: criteria provided, single submitter. Criteria: GeneDx Variant Classification Process June 2021. Collection method: clinical testing. Allele origin: germline. Affected: yes.
Comment: Not observed at significant frequency in large population cohorts (gnomAD); In silico analysis supports that this missense variant has a deleterious effect on protein structure/function; Has not been previously published as pathogenic or benign to our knowledge

Labcorp Genetics (formerly Invitae), Labcorp
Classification: Uncertain significance for Short-rib thoracic dysplasia 13 with or without polydactyly. Last evaluated: 2023-05-23. Review status: criteria provided, single submitter. Criteria: Invitae Variant Classification Sherloc (09022015). Collection method: clinical testing. Allele origin: germline.
Comment: In summary, the available evidence is currently insufficient to determine the role of this variant in disease. Therefore, it has been classified as a Variant of Uncertain Significance. Advanced modeling of protein sequence and biophysical properties (such as structural, functional, and spatial information, amino acid conservation, physicochemical variation, residue mobility, and thermodynamic stability) performed at Invitae indicates that this missense variant is expected to disrupt CEP120 protein function. ClinVar contains an entry for this variant (Variation ID: 2200255). This variant has not been reported in the literature in individuals affected with CEP120-related conditions. This variant is present in population databases (rs774705290, gnomAD 0.01%). This sequence change replaces arginine, which is basic and polar, with cysteine, which is neutral and slightly polar, at codon 782 of the CEP120 protein (p.Arg782Cys).

NM_001375405.1(CEP120):c.2344C>T (p.Arg782Cys)

Gene: CEP120 (centrosomal protein 120; minus strand). Cytogenetic location: 5q23.2.
Variant type: single nucleotide variant.
Coding change: c.2344C>T on transcript NM_001375405.1 (MANE Select); coding-DNA position 2344, C replaced by T.
Protein change: p.Arg782Cys; replaces arginine 782 with cysteine.
Molecular consequence: missense variant. On other transcripts: non-coding transcript variant (1).
Genome position (GRCh38, 1-based): chr5:123,377,388, G>A on the plus strand (C>T on the coding strand, the complement: CEP120 is on the minus strand). VCF-style: chr5-123377388-G-A. GRCh37 (hg19) VCF-style: chr5-122713082-G-A.
Other names: c.2266C>T, p.Arg756Cys (NM_001166226.2); c.2209C>T, p.Arg737Cys (NM_001375406.1); c.2344C>T, p.Arg782Cys (NM_001375407.1, NM_153223.4); c.1771C>T, p.Arg591Cys (NM_001375408.1, NM_001375409.1); c.2344C>T (NM_153223.3); short protein forms R591C, R737C, R756C, R782C.
Identifiers: ClinVar variation 2200255 (VCV002200255.4), dbSNP rs774705290, ClinGen allele CA3386658.